The following is an entry in ClinVar:

ClinVar aggregate classification (germline): Uncertain significance. Review status: criteria provided, multiple submitters, no conflicts (2 of 4 stars). 2 submissions from 2 submitters: Uncertain significance (2). Last evaluated 2025-03-17.

Conditions:
Autosomal recessive ataxia, Beauce type. Also called: SYNE1-Related Autosomal Recessive Cerebellar Ataxia; Spinocerebellar ataxia, autosomal recessive 8; ATAXIA, RECESSIVE, OF BEAUCE; SYNE1 Deficiency. Identifiers: Orphanet 88644, MedGen C1853116, MONDO:0012549, OMIM 610743.
Emery-Dreifuss muscular dystrophy 4, autosomal dominant (EDMD4). Also called: EMERY-DREIFUSS MUSCULAR DYSTROPHY 4 WITH VARIABLE FEATURES. Identifiers: Orphanet 261, MedGen C2751807, MONDO:0013071, OMIM 612998.

Allele frequency attached by ClinVar (database versions not stated): gnomAD 0.00001; TOPMed 0.00001; gnomAD exomes 0.00002 and 0.00003; ExAC 0.00003; ESP Exome Variant Server 0.00008.
gnomAD v4.1: 20 of 1,613,834 alleles (0.0012%); highest among the groups gnomAD compares: Admixed American, 0.0017%; no homozygotes.

Submissions (2):

Labcorp Genetics (formerly Invitae), Labcorp
Classification: Uncertain significance for Emery-Dreifuss muscular dystrophy 4, autosomal dominant; Autosomal recessive ataxia, Beauce type. Last evaluated: 2025-03-17. Review status: criteria provided, single submitter. Criteria: Invitae Variant Classification Sherloc (09022015). Collection method: clinical testing. Allele origin: germline.
Comment: This sequence change replaces isoleucine, which is neutral and non-polar, with valine, which is neutral and non-polar, at codon 7444 of the SYNE1 protein (p.Ile7444Val). This variant is present in population databases (rs369260919, gnomAD 0.004%). This variant has not been reported in the literature in individuals affected with SYNE1-related conditions. ClinVar contains an entry for this variant (Variation ID: 1021438). An algorithm developed to predict the effect of missense changes on protein structure and function (PolyPhen-2) suggests that this variant is likely to be disruptive. In summary, the available evidence is currently insufficient to determine the role of this variant in disease. Therefore, it has been classified as a Variant of Uncertain Significance.

Blueprint Genetics
Classification: Uncertain significance. Last evaluated: 2024-09-15. Review status: criteria provided, single submitter. Criteria: ACMG Guidelines, 2015. Collection method: clinical testing. Allele origin: germline.

NM_182961.4(SYNE1):c.22543A>G (p.Ile7515Val)

Gene: SYNE1 (spectrin repeat containing nuclear envelope protein 1; minus strand). Cytogenetic location: 6q25.2.
Variant type: single nucleotide variant.
Coding change: c.22543A>G on transcript NM_182961.4 (MANE Select); coding-DNA position 22543, A replaced by G.
Protein change: p.Ile7515Val; replaces isoleucine 7515 with valine.
Molecular consequence: missense variant.
Genome position (GRCh38, 1-based): chr6:152,211,540, T>C on the plus strand (A>G on the coding strand, the complement: SYNE1 is on the minus strand). VCF-style: chr6-152211540-T-C. GRCh37 (hg19) VCF-style: chr6-152532675-T-C.
Other names: c.22330A>G, p.Ile7444Val (NM_033071.5); short protein forms I7444V, I7515V.
Identifiers: ClinVar variation 1021438 (VCV001021438.6), dbSNP rs369260919, ClinGen allele CA4053852.
Genomic context (GRCh38, chr6:152,211,540, plus strand): 5'-ATCAAAGATCCTACCTGTCATCAACTTGACCTTGTTCTAGAAGACGTTGCCCATCAATAA[T>C]GATTGAGTGCAAAATCTGCTGACGACTGAACATCTCGGCTTGAAACAACTATAATTTAAA-3'
Protein context (NP_892006.3, residues 7505-7525): FSRQQILHSI[Ile7515Val]IDGQRLLEQG